The following is an entry in ClinVar:

NM_000307.5(POU3F4):c.836G>A (p.Arg279His)

Gene: POU3F4 (POU class 3 homeobox 4; plus strand). Cytogenetic location: Xq21.1.
Variant type: single nucleotide variant.
Coding change: c.836G>A on transcript NM_000307.5 (MANE Select); coding-DNA position 836, G replaced by A.
Protein change: p.Arg279His; replaces arginine 279 with histidine.
Molecular consequence: missense variant.
Genome position (GRCh38, 1-based): chrX:83,509,160, G>A. VCF-style: chrX-83509160-G-A. GRCh37 (hg19) VCF-style: chrX-82764168-G-A.
Other names: short protein forms R279H.
Identifiers: ClinVar variation 1304653 (VCV001304653.2), dbSNP rs2147996793, ClinGen allele CA413752429.
Genomic context (GRCh38, chrX:83,509,160, plus strand): 5'-CGGATTCGTCCACAGGGAGCCCGACCAGCATTGACAAGATCGCTGCACAGGGCCGCAAGC[G>A]CAAGAAGCGGACCTCCATCGAGGTGAGTGTCAAGGGCGTACTGGAGACGCATTTCCTCAA-3'
Protein context (NP_000298.3, residues 269-289): IDKIAAQGRK[Arg279His]KKRTSIEVSV

ClinVar aggregate classification (germline): Uncertain significance (1 of 4 stars; one submission).

Submission:

GeneDx
Classification: Uncertain significance. Last evaluated: 2020-07-06. Review status: criteria provided, single submitter. Criteria: GeneDx Variant Classification Process June 2021. Collection method: clinical testing. Allele origin: germline. Affected: yes.
Comment: Not observed in large population cohorts (Lek et al., 2016); In silico analysis supports that this missense variant has a deleterious effect on protein structure/function; Has not been previously published as pathogenic or benign to our knowledge